The following is an entry in ClinVar:

NM_000093.5(COL5A1):c.1546C>A (p.Pro516Thr)

Gene: COL5A1 (collagen type V alpha 1 chain; plus strand). Cytogenetic location: 9q34.3.
Variant type: single nucleotide variant.
Coding change: c.1546C>A on transcript NM_000093.5 (MANE Select); coding-DNA position 1546, C replaced by A.
Protein change: p.Pro516Thr; replaces proline 516 with threonine.
Molecular consequence: missense variant.
Genome position (GRCh38, 1-based): chr9:134,750,593, C>A. VCF-style: chr9-134750593-C-A. GRCh37 (hg19) VCF-style: chr9-137642439-C-A.
Other names: c.1546C>A, p.Pro516Thr (NM_001278074.1); short protein forms P516T.
Identifiers: ClinVar variation 3617610 (VCV003617610.2).

ClinVar aggregate classification (germline): Uncertain significance (1 of 4 stars; one submission).

Conditions:
Ehlers-Danlos syndrome, classic type, 1 (EDSCL1). Also called: EHLERS-DANLOS SYNDROME, GRAVIS TYPE; EHLERS-DANLOS SYNDROME, SEVERE CLASSIC TYPE; Ehlers-Danlos syndrome, type 1; Ehlers-Danlos Syndrome, Classic Type, COL5A1-Related; EDS I. Identifiers: MedGen C0268335, MONDO:0019567, OMIM 130000.

Submission:

Labcorp Genetics (formerly Invitae), Labcorp
Classification: Uncertain significance for Ehlers-Danlos syndrome, classic type, 1. Last evaluated: 2024-11-26. Review status: criteria provided, single submitter. Criteria: Invitae Variant Classification Sherloc (09022015). Collection method: clinical testing. Allele origin: germline.
Comment: This sequence change replaces proline, which is neutral and non-polar, with threonine, which is neutral and polar, at codon 516 of the COL5A1 protein (p.Pro516Thr). This variant is not present in population databases (gnomAD no frequency). This variant has not been reported in the literature in individuals affected with COL5A1-related conditions. Invitae Evidence Modeling of protein sequence and biophysical properties (such as structural, functional, and spatial information, amino acid conservation, physicochemical variation, residue mobility, and thermodynamic stability) has been performed for this missense variant. However, the output from this modeling did not meet the statistical confidence thresholds required to predict the impact of this variant on COL5A1 protein function. In summary, the available evidence is currently insufficient to determine the role of this variant in disease. Therefore, it has been classified as a Variant of Uncertain Significance.